The following is an entry in ClinVar:

ClinVar aggregate classification (germline): Benign (0 of 4 stars; one submission).

Conditions:
PPFIA1-related disorder. Also called: PPFIA1-related condition.

Allele frequency attached by ClinVar (database versions not stated): 1000 Genomes Project 0.21446; 1000 Genomes Project 30x 0.22658; ESP Exome Variant Server 0.23860; TOPMed 0.23890.
gnomAD v4.1: 219,523 of 1,613,894 alleles (14%); highest among the groups gnomAD compares: African/African-American, 47%; 20,176 homozygotes.

Submission:

PreventionGenetics, part of Exact Sciences
Classification: Benign for PPFIA1-related condition. Last evaluated: 2019-10-30. Review status: no assertion criteria provided. Collection method: clinical testing. Allele origin: germline.
Comment: This variant is classified as benign based on ACMG/AMP sequence variant interpretation guidelines (Richards et al. 2015 PMID: 25741868, with internal and published modifications).

NM_003626.5(PPFIA1):c.1620C>T (p.Asp540=)

Gene: PPFIA1 (PTPRF interacting protein alpha 1; plus strand). Cytogenetic location: 11q13.3.
Variant type: single nucleotide variant.
Coding change: c.1620C>T on transcript NM_003626.5 (MANE Select); coding-DNA position 1620, C replaced by T.
Protein change: p.Asp540=; no amino-acid change (aspartic acid 540 retained).
Molecular consequence: synonymous variant. On other transcripts: non-coding transcript variant (1).
Genome position (GRCh38, 1-based): chr11:70,339,219, C>T. VCF-style: chr11-70339219-C-T. GRCh37 (hg19) VCF-style: chr11-70185325-C-T.
Other names: c.1695C>T, p.Asp565= (NM_001378006.1); c.1620C>T, p.Asp540= (NM_177423.3).
Identifiers: ClinVar variation 3060161 (VCV003060161.2), dbSNP rs1061328, ClinGen allele CA6159061.
Genomic context (GRCh38, chr11:70,339,219, plus strand): 5'-TTCATGTTTCAGCCGACCCCACTTGGGCAGTGTCCCAGATTTCAGGTTCCCCATGGCAGA[C>T]GGCCACACAGACTCCTACAGCACCAGTGCAGTGCTGCGGCGCCCACAGAAAGGCCGGCTG-3'
Protein context (NP_003617.1, residues 530-550): SVPDFRFPMA[Asp540=]GHTDSYSTSA